The following is an entry in ClinVar:

NM_005560.6(LAMA5):c.4219C>T (p.Gln1407Ter)

Gene: LAMA5 (laminin subunit alpha 5; minus strand). Cytogenetic location: 20q13.33.
Variant type: single nucleotide variant.
Coding change: c.4219C>T on transcript NM_005560.6 (MANE Select); coding-DNA position 4219, C replaced by T.
Protein change: p.Gln1407Ter; replaces glutamine 1407 with a stop codon.
Molecular consequence: nonsense.
Genome position (GRCh38, 1-based): chr20:62,329,154, G>A on the plus strand (C>T on the coding strand, the complement: LAMA5 is on the minus strand). VCF-style: chr20-62329154-G-A. GRCh37 (hg19) VCF-style: chr20-60904210-G-A.
Other names: short protein forms Q1407*.
Identifiers: ClinVar variation 4764693 (VCV004764693.1).

ClinVar aggregate classification (germline): Uncertain significance (1 of 4 stars; one submission).

gnomAD v4.1: 1 of 1,612,780 alleles (0.000062%); highest among the groups gnomAD compares: Non-Finnish European, 0.000085%; no homozygotes.

Submission:

Labcorp Genetics (formerly Invitae), Labcorp
Classification: Uncertain significance. Last evaluated: 2026-01-25. Review status: criteria provided, single submitter. Criteria: Invitae Variant Classification Sherloc (09022015). Collection method: clinical testing. Allele origin: germline.
Comment: This sequence change creates a premature translational stop signal (p.Gln1407*) in the LAMA5 gene. It is expected to result in an absent or disrupted protein product. However, the current clinical and genetic evidence is not sufficient to establish whether loss-of-function variants in LAMA5 cause disease. This variant is not present in population databases (gnomAD no frequency). This variant has not been reported in the literature in individuals affected with LAMA5-related conditions. In summary, the available evidence is currently insufficient to determine the role of this variant in disease. Therefore, it has been classified as a Variant of Uncertain Significance.